The following is an entry in ClinVar:

ClinVar aggregate classification (germline): Uncertain significance. Review status: reviewed by expert panel (3 of 4 stars). 2 submissions from 2 submitters: Uncertain significance (1). 1 of the submissions does not count toward it. Last evaluated 2026-01-20.

Conditions:
Bernard Soulier syndrome (BSS). Also called: BLEEDING DISORDER, PLATELET-TYPE, 1; GLYCOPROTEIN Ib, PLATELET, DEFICIENCY OF; PLATELET GLYCOPROTEIN Ib DEFICIENCY; VON WILLEBRAND FACTOR RECEPTOR DEFICIENCY; Giant platelet syndrome; Hemorrhagiparous thrombocytic dystrophy. Identifiers: Orphanet 274, MedGen C0005129, MeSH D001606, MONDO:0009276, OMIM 231200.

gnomAD v4.1: 3 of 1,523,042 alleles (0.0002%); highest among the groups gnomAD compares: African/African-American, 0.0014%; no homozygotes.

Submissions (2):

ClinGen Platelet Disorders Variant Curation Expert Panel, ClinGen
Classification: Uncertain significance for Bernard Soulier syndrome. Last evaluated: 2026-01-20. Review status: reviewed by expert panel. Criteria: ClinGen Platelet ACMG Specifications GP1BB V1.0.0. Collection method: curation. Allele origin: germline. Inheritance: Autosomal recessive inheritance.
Comment: The c.80C>T variant in GP1BB is a missense variant predicted to cause substitution of Proline by Leucine at amino acid 27 (p.Pro27Leu). At least one patient (Patient 22 in PMID: 28983057) with this variant had less than 10% expression of GPIba measured by flow cytometry, which is highly specific for Bernard-Soulier syndrome. Additionally, the patient had excessive mucocutaneous bleeding and macrothrombocytopenia which are consistent with Bernard-Soulier syndrome. Sequencing covered GP1BA, GP1BB, GP9 and CNV analysis (PP4_moderate). The highest MAF in gnomAD v4.1.0 is 0.00001409 (based on 1/70982 alleles) in the African/African American population, which is lower than the ClinGen PD VCEP threshold (<0.00006517; PM2_Supporting). The computational predictor REVEL gives a score of 0.666, which is above the ClinGen PD VCEP threshold of >0.644 and predicts a damaging effect on GP1BB function (PP3). In summary, this variant meets the criteria to be classified as VUS for autosomal recessive Bernard-Soulier syndrome based on the ACMG/AMP criteria applied, as specified by the ClinGen PD VCEP: PP4_Moderate, PM3_Supporting, PM2_Supporting and PP3 (VCEP specifications version 1).

ISTH-SSC Genomics in Thrombosis and Hemostasis, KU Leuven, Center for Molecular and Vascular Biology
Classification: Likely pathogenic for Bernard Soulier syndrome. Review status: criteria provided, single submitter. Criteria: ACMG Guidelines, 2015. Collection method: clinical testing. Allele origin: germline. Affected: yes. Observed: 1 homozygote. Not counted in ClinVar's aggregate classification.
Comment: Submitted to GoldVariant by Jose María Bastida and José Rivera; Grupo Español de Alteraciones Plaquetarias Congénitas (GEAPC)

NM_000407.5(GP1BB):c.80C>T (p.Pro27Leu)

Genes: GP1BB (glycoprotein Ib platelet subunit beta; plus strand), SEPT5-GP1BB (SEPT5-GP1BB readthrough; plus strand). Cytogenetic location: 22q11.21.
Variant type: single nucleotide variant.
Coding change: c.80C>T on transcript NM_000407.5 (MANE Select); coding-DNA position 80, C replaced by T.
Protein change: p.Pro27Leu; replaces proline 27 with leucine.
Molecular consequence: missense variant. On other transcripts: non-coding transcript variant (2).
Genome position (GRCh38, 1-based): chr22:19,723,923, C>T. VCF-style: chr22-19723923-C-T. GRCh37 (hg19) VCF-style: chr22-19711446-C-T.
Other names: NM_000407.5(GP1BB):c.80C>T; p.Pro27Leu; short protein forms P27L.
Identifiers: ClinVar variation 1691234 (VCV001691234.4), dbSNP rs2145795850, ClinGen allele CA410676344.